The following is an entry in ClinVar:

NM_001351132.2(PEX5):c.1632G>A (p.Ala544=)

Gene: PEX5 (peroxisomal biogenesis factor 5; plus strand). Cytogenetic location: 12p13.31.
Variant type: single nucleotide variant.
Coding change: c.1632G>A on transcript NM_001351132.2 (MANE Select); coding-DNA position 1632, G replaced by A.
Protein change: p.Ala544=; no amino-acid change (alanine 544 retained).
Molecular consequence: synonymous variant.
Genome position (GRCh38, 1-based): chr12:7,209,754, G>A. VCF-style: chr12-7209754-G-A. GRCh37 (hg19) VCF-style: chr12-7362350-G-A.
Other names: p.Ala559=; c.1608G>A, p.Ala536= (NM_000319.5); c.1677G>A, p.Ala559= (NM_001131023.2); c.1521G>A, p.Ala507= (NM_001131024.2, NM_001351124.3, NM_001351126.2 and 7 more transcripts); c.1632G>A, p.Ala544= (NM_001131025.2, NM_001131026.2, NM_001300789.3 and 4 more transcripts); c.1566G>A, p.Ala522= (NM_001351135.3, NM_001351138.2); c.1623G>A, p.Ala541= (NM_001351136.2); c.1497G>A, p.Ala499= (NM_001351139.2, NM_001351140.2, NM_001374649.2); and 1 more.
Identifiers: ClinVar variation 257546 (VCV000257546.18), dbSNP rs115338343, ClinGen allele CA6426528.

ClinVar aggregate classification (germline): Benign. Review status: criteria provided, multiple submitters, no conflicts (2 of 4 stars). 5 submissions from 5 submitters: Benign (5). Last evaluated 2026-02-02.

Conditions:
Peroxisome biogenesis disorder 2A (Zellweger) (PBD2A). Also called: Cerebrohepatorenal syndrome, variant types. Identifiers: Orphanet 912, MedGen C3550273, MONDO:0008954, OMIM 214110.
Peroxisome biogenesis disorder 2B (PBD2B). Identifiers: Orphanet 44, MedGen C3550234, MONDO:0008736, OMIM 202370.

Allele frequency attached by ClinVar (database versions not stated): gnomAD 0.00644; TOPMed 0.00663; ESP Exome Variant Server 0.00715; 1000 Genomes Project 0.00819; 1000 Genomes Project 30x 0.00906.
gnomAD v4.1: 2,270 of 1,571,076 alleles (0.14%); highest among the groups gnomAD compares: African/African-American, 2.5%; 16 homozygotes.

Submissions (5):

Labcorp Genetics (formerly Invitae), Labcorp
Classification: Benign for Peroxisome biogenesis disorder 2B. Last evaluated: 2026-02-02. Review status: criteria provided, single submitter. Criteria: Invitae Variant Classification Sherloc (09022015). Collection method: clinical testing. Allele origin: germline.

Mayo Clinic Laboratories, Mayo Clinic
Classification: Benign. Last evaluated: 2019-02-22. Review status: criteria provided, single submitter. Criteria: ACMG Guidelines, 2015. Collection method: clinical testing. Allele origin: germline. Observed: 6 variant alleles.

Illumina Laboratory Services, Illumina
Classification: Benign for Peroxisome biogenesis disorder 2A (Zellweger). Last evaluated: 2018-01-13. Review status: criteria provided, single submitter. Criteria: ICSL Variant Classification Criteria 13 December 2019. Collection method: clinical testing. Allele origin: germline.
Comment: This variant was observed in the ICSL laboratory as part of a predisposition screen in an ostensibly healthy population. It had not been previously curated by ICSL or reported in the Human Gene Mutation Database (HGMD: prior to June 1st, 2018), and was therefore a candidate for classification through an automated scoring system. Utilizing variant allele frequency, disease prevalence and penetrance estimates, and inheritance mode, an automated score was calculated to assess if this variant is too frequent to cause the disease. Based on the score and internal cut-off values, a variant classified as benign is not then subjected to further curation. The score for this variant resulted in a classification of benign for this disease.

Breakthrough Genomics
Classification: Benign. Review status: criteria provided, single submitter. Criteria: ACMG Guidelines, 2015. Collection method: not provided. Allele origin: germline. Inheritance: Autosomal recessive inheritance. Affected: yes.

PreventionGenetics, part of Exact Sciences
Classification: Benign. Review status: criteria provided, single submitter. Criteria: ACMG Guidelines, 2015. Collection method: clinical testing. Allele origin: germline.